The following is an entry in ClinVar:

ClinVar aggregate classification (germline): Uncertain significance (1 of 4 stars; one submission).

Submission:

GeneDx
Classification: Uncertain significance. Last evaluated: 2026-04-09. Review status: criteria provided, single submitter. Criteria: GeneDx Variant Classification Process June 2021. Collection method: clinical testing. Allele origin: germline.
Comment: Not observed at significant frequency in large population cohorts (gnomAD); In silico analysis supports that this missense variant has a deleterious effect on protein structure/function; Has not been previously published as pathogenic or benign to our knowledge

NM_014975.3(MAST1):c.2369C>T (p.Pro790Leu)

Genes: MAST1 (microtubule associated serine/threonine kinase 1; plus strand), LOC112543452 (Sharpr-MPRA regulatory region 6054; plus strand). Cytogenetic location: 19p13.13.
Variant type: single nucleotide variant.
Coding change: c.2369C>T on transcript NM_014975.3 (MANE Select); coding-DNA position 2369, C replaced by T.
Protein change: p.Pro790Leu; replaces proline 790 with leucine.
Molecular consequence: missense variant.
Genome position (GRCh38, 1-based): chr19:12,867,780, C>T. VCF-style: chr19-12867780-C-T. GRCh37 (hg19) VCF-style: chr19-12978594-C-T.
Other names: short protein forms P790L.
Identifiers: ClinVar variation 5018383 (VCV005018383.1).